The following is an entry in ClinVar:

NM_024496.4(IRF2BPL):c.439G>T (p.Glu147Ter)

Gene: IRF2BPL (interferon regulatory factor 2 binding protein like; minus strand). Cytogenetic location: 14q24.3.
Variant type: single nucleotide variant.
Coding change: c.439G>T on transcript NM_024496.4 (MANE Select); coding-DNA position 439, G replaced by T.
Protein change: p.Glu147Ter; replaces glutamic acid 147 with a stop codon.
Molecular consequence: nonsense.
Genome position (GRCh38, 1-based): chr14:77,027,354, C>A on the plus strand (G>T on the coding strand, the complement: IRF2BPL is on the minus strand). VCF-style: chr14-77027354-C-A. GRCh37 (hg19) VCF-style: chr14-77493697-C-A.
Other names: short protein forms E147*.
Identifiers: ClinVar variation 3375770 (VCV003375770.1).

ClinVar aggregate classification (germline): Pathogenic (1 of 4 stars; one submission).

Submission:

GeneDx
Classification: Pathogenic. Last evaluated: 2024-05-10. Review status: criteria provided, single submitter. Criteria: GeneDx Variant Classification Process June 2021. Collection method: clinical testing. Allele origin: germline. Affected: yes.
Comment: Nonsense variant predicted to result in protein truncation, as the last 650 amino acids are lost, and other loss-of-function variants have been reported downstream in HGMD; Not observed at significant frequency in large population cohorts (gnomAD); Has not been previously published as pathogenic or benign to our knowledge